The following is an entry in ClinVar:

NM_001261.4(CDK9):c.175-7C>T

Gene: CDK9 (cyclin dependent kinase 9; plus strand). Cytogenetic location: 9q34.11.
Variant type: single nucleotide variant.
Coding change: c.175-7C>T on transcript NM_001261.4 (MANE Select); 7 bases into the intron before coding-DNA position 175, C replaced by T.
Molecular consequence: intron variant.
Genome position (GRCh38, 1-based): chr9:127,787,511, C>T. VCF-style: chr9-127787511-C-T. GRCh37 (hg19) VCF-style: chr9-130549790-C-T.
Identifiers: ClinVar variation 780135 (VCV000780135.7), dbSNP rs3217739, ClinGen allele CA5251648.

ClinVar aggregate classification (germline): Benign. Review status: criteria provided, multiple submitters, no conflicts (2 of 4 stars). 3 submissions from 3 submitters: Benign (2). 1 of the submissions does not count toward it. Last evaluated 2019-12-31.

Conditions:
CDK9-related disorder. Also called: CDK9-related condition.

Allele frequency attached by ClinVar (database versions not stated): ESP Exome Variant Server 0.00046; gnomAD 0.00309 and 0.00420; TOPMed 0.00454; 1000 Genomes Project 0.02296; ExAC 0.00817; gnomAD exomes 0.00290 and 0.00857; 1000 Genomes Project 30x 0.02217.
gnomAD v4.1: 5,252 of 1,606,150 alleles (0.33%); highest among the groups gnomAD compares: East Asian, 7.9%; 197 homozygotes.

Submissions (3):

Labcorp Genetics (formerly Invitae), Labcorp
Classification: Benign. Last evaluated: 2019-12-31. Review status: criteria provided, single submitter. Criteria: Invitae Variant Classification Sherloc (09022015). Collection method: clinical testing. Allele origin: germline.

Breakthrough Genomics
Classification: Benign. Review status: criteria provided, single submitter. Criteria: ACMG Guidelines, 2015. Collection method: not provided. Allele origin: germline. Inheritance: Unknown mechanism. Affected: yes.

PreventionGenetics, part of Exact Sciences
Classification: Benign for CDK9-related condition. Last evaluated: 2019-08-20. Review status: no assertion criteria provided. Collection method: clinical testing. Allele origin: germline. Not counted in ClinVar's aggregate classification.
Comment: This variant is classified as benign based on ACMG/AMP sequence variant interpretation guidelines (Richards et al. 2015 PMID: 25741868, with internal and published modifications).